The following is an entry in ClinVar:

NM_032193.4(RNASEH2C):c.468+5G>A

Gene: RNASEH2C (ribonuclease H2 subunit C; minus strand). Cytogenetic location: 11q13.1.
Variant type: single nucleotide variant.
Coding change: c.468+5G>A on transcript NM_032193.4 (MANE Select); 5 bases into the intron after coding-DNA position 468, G replaced by A.
Molecular consequence: intron variant.
Genome position (GRCh38, 1-based): chr11:65,720,040, C>T on the plus strand (G>A on the coding strand, the complement: RNASEH2C is on the minus strand). VCF-style: chr11-65720040-C-T. GRCh37 (hg19) VCF-style: chr11-65487511-C-T.
Identifiers: ClinVar variation 1426269 (VCV001426269.6), dbSNP rs753880827, ClinGen allele CA6107678.

ClinVar aggregate classification (germline): Uncertain significance. Review status: criteria provided, multiple submitters, no conflicts (2 of 4 stars). 2 submissions from 2 submitters: Uncertain significance (2). Last evaluated 2024-10-14.

Conditions:
Aicardi-Goutieres syndrome 3. Identifiers: Orphanet 51, MedGen C1835916, MONDO:0012471, OMIM 610329.

Submissions (3):

Labcorp Genetics (formerly Invitae), Labcorp
Classification: Uncertain significance for Aicardi-Goutieres syndrome 3. Last evaluated: 2024-10-14. Review status: criteria provided, single submitter. Criteria: Invitae Variant Classification Sherloc (09022015). Collection method: clinical testing. Allele origin: germline.
Comment: This sequence change falls in intron 3 of the RNASEH2C gene. It does not directly change the encoded amino acid sequence of the RNASEH2C protein. It affects a nucleotide within the consensus splice site. This variant is present in population databases (rs753880827, gnomAD 0.007%). This variant has not been reported in the literature in individuals affected with RNASEH2C-related conditions. ClinVar contains an entry for this variant (Variation ID: 1426269). Variants that disrupt the consensus splice site are a relatively common cause of aberrant splicing (PMID: 17576681, 9536098). Algorithms developed to predict the effect of sequence changes on RNA splicing suggest that this variant may disrupt the consensus splice site. In summary, the available evidence is currently insufficient to determine the role of this variant in disease. Therefore, it has been classified as a Variant of Uncertain Significance.

Blueprint Genetics
Classification: Uncertain significance. Last evaluated: 2024-06-25. Review status: criteria provided, single submitter. Criteria: ACMG Guidelines, 2015. Collection method: clinical testing. Allele origin: germline.

Dr. Peter K. Rogan Lab, Western University
No classification provided (evidence only). Condition: Familial cancer of breast. Review status: no classification provided. Collection method: in vitro. Allele origin: not applicable. Functional consequence: skipped exon. Not counted in ClinVar's aggregate classification.

Literature cited by the submitters: PubMed 17576681 (cited by Labcorp Genetics (formerly Invitae), Labcorp); PubMed 9536098 (cited by Labcorp Genetics (formerly Invitae), Labcorp).